The following is an entry in ClinVar:

ClinVar aggregate classification (germline): Benign/Likely benign. Review status: criteria provided, multiple submitters, no conflicts (2 of 4 stars). 2 submissions from 2 submitters: Benign (1); Likely benign (1). Last evaluated 2026-06-24.

Conditions:
CHM-related disorder. Also called: CHM-related condition.

Submissions (2):

PreventionGenetics, part of Exact Sciences
Classification: Likely benign for CHM-related condition. Last evaluated: 2026-06-24. Review status: criteria provided, single submitter. Criteria: ACMG Guidelines, 2015. Collection method: clinical testing. Allele origin: germline.
Comment: This variant is classified as likely benign based on ACMG/AMP sequence variant interpretation guidelines (Richards et al. 2015 PMID: 25741868, with internal and published modifications).

Labcorp Genetics (formerly Invitae), Labcorp
Classification: Benign. Last evaluated: 2023-04-30. Review status: criteria provided, single submitter. Criteria: Invitae Variant Classification Sherloc (09022015). Collection method: clinical testing. Allele origin: germline.

NM_000390.4(CHM):c.820-11_820-9del

Gene: CHM (CHM Rab escort protein; minus strand). Cytogenetic location: Xq21.2.
Variant type: Microsatellite.
Coding change: c.820-11_820-9del on transcript NM_000390.4 (MANE Select); 11 bases into the intron before coding-DNA position 820 through 9 bases into the intron before coding-DNA position 820, 3 bases deleted (ATA; older notation c.820-11_820-9delATA).
Molecular consequence: intron variant.
Genome position (GRCh38, 1-based): chrX:85,957,984-85,957,986, TAT deleted on the plus strand (ATA on the coding strand, the reverse complement: CHM is on the minus strand); deleting any 3 consecutive bases within chrX:85,957,984-85,957,989 gives the same sequence; the c. name uses the placement nearest the transcript's 3' end. VCF-style (leftmost placement, unchanged base first): chrX-85957983-ATAT-A. GRCh37 (hg19) VCF-style: chrX-85212988-ATAT-A.
Other names: c.376-11_376-9del (NM_001362519.1, NM_001362517.1, NM_001320959.1 and 1 more transcripts); c.820-11_820-9delATA (NM_000390.3).
Identifiers: ClinVar variation 1662224 (VCV001662224.9), dbSNP rs765116841, ClinGen allele CA10465510.